The following is an entry in ClinVar:

ClinVar aggregate classification (germline): Uncertain significance (1 of 4 stars; one submission).

Conditions:
3-hydroxyisobutyryl-CoA hydrolase deficiency. Also called: VALINE METABOLIC DEFECT; HIBCH DEFICIENCY; METHACRYLIC ACID TOXICITY; METHACRYLIC ACIDURIA; Reduced circulating 3-hydroxyisobutyryl-CoA hydrolase activity; Deficiency of 3-hydroxyisobutyryl CoA hydrolase. Identifiers: Orphanet 88639, MedGen C0342738, MONDO:0009603, OMIM 250620, HP:6000215.

Allele frequency attached by ClinVar (database versions not stated): gnomAD exomes 0.00001; ExAC 0.00002; TOPMed 0.00002.
gnomAD v4.1: 19 of 1,609,718 alleles (0.0012%); highest among the groups gnomAD compares: Admixed American, 0.027%; no homozygotes.

Submission:

Labcorp Genetics (formerly Invitae), Labcorp
Classification: Uncertain significance for 3-hydroxyisobutyryl-CoA hydrolase deficiency. Last evaluated: 2022-04-12. Review status: criteria provided, single submitter. Criteria: Invitae Variant Classification Sherloc (09022015). Collection method: clinical testing. Allele origin: germline.
Comment: This sequence change replaces isoleucine, which is neutral and non-polar, with valine, which is neutral and non-polar, at codon 309 of the HIBCH protein (p.Ile309Val). This variant is present in population databases (rs759152882, gnomAD 0.04%). This variant has not been reported in the literature in individuals affected with HIBCH-related conditions. Algorithms developed to predict the effect of missense changes on protein structure and function (SIFT, PolyPhen-2, Align-GVGD) all suggest that this variant is likely to be tolerated. Algorithms developed to predict the effect of sequence changes on RNA splicing suggest that this variant may create or strengthen a splice site. In summary, the available evidence is currently insufficient to determine the role of this variant in disease. Therefore, it has been classified as a Variant of Uncertain Significance.

NM_014362.4(HIBCH):c.925A>G (p.Ile309Val)

Gene: HIBCH (3-hydroxyisobutyryl-CoA hydrolase; minus strand). Cytogenetic location: 2q32.2.
Variant type: single nucleotide variant.
Coding change: c.925A>G on transcript NM_014362.4 (MANE Select); coding-DNA position 925, A replaced by G.
Protein change: p.Ile309Val; replaces isoleucine 309 with valine.
Molecular consequence: missense variant.
Genome position (GRCh38, 1-based): chr2:190,213,042, T>C on the plus strand (A>G on the coding strand, the complement: HIBCH is on the minus strand). VCF-style: chr2-190213042-T-C. GRCh37 (hg19) VCF-style: chr2-191077768-T-C.
Other names: c.925A>G, p.Ile309Val (NM_198047.3); short protein forms I309V.
Identifiers: ClinVar variation 2176972 (VCV002176972.2), dbSNP rs759152882, ClinGen allele CA2027430.